The following is an entry in ClinVar:

NM_000548.5(TSC2):c.1541A>C (p.Asp514Ala)

Gene: TSC2 (TSC complex subunit 2; plus strand). Cytogenetic location: 16p13.3.
Variant type: single nucleotide variant.
Coding change: c.1541A>C on transcript NM_000548.5 (MANE Select); coding-DNA position 1541, A replaced by C.
Protein change: p.Asp514Ala; replaces aspartic acid 514 with alanine.
Molecular consequence: missense variant. On other transcripts: 5 prime UTR variant (1), non-coding transcript variant (5).
Genome position (GRCh38, 1-based): chr16:2,064,369, A>C. VCF-style: chr16-2064369-A-C. GRCh37 (hg19) VCF-style: chr16-2114370-A-C.
Other names: c.1430A>C, p.Asp477Ala (NM_001406670.1, NM_001406678.1, NM_001318827.2); c.1529A>C, p.Asp510Ala (NM_001406671.1, NM_001406673.1); c.1394A>C, p.Asp465Ala (NM_001406675.1, NM_001406676.1, NM_001406679.1 and 1 more transcripts); c.1484A>C, p.Asp495Ala (NM_001406677.1); c.941A>C, p.Asp314Ala (NM_001406680.1, NM_001406682.1, NM_001406683.1 and 6 more transcripts); c.1079A>C, p.Asp360Ala (NM_001406681.1); c.1541A>C, p.Asp514Ala (NM_001370404.1, NM_001370405.1, NM_001406663.1 and 6 more transcripts); c.1631A>C, p.Asp544Ala (NM_001406667.1, NM_001406668.1); and 3 more; short protein forms D360A, D465A, D495A, D544A, D66A, D314A, D477A, D514A.
Identifiers: ClinVar variation 5031275 (VCV005031275.1).

ClinVar aggregate classification (germline): Uncertain significance (1 of 4 stars; one submission).

Conditions:
Hereditary cancer-predisposing syndrome. Also called: Neoplastic Syndromes, Hereditary; Tumor predisposition; Hereditary neoplastic syndrome; Hereditary Cancer Syndrome. Identifiers: Orphanet 140162, MedGen C0027672, MeSH D009386, MONDO:0015356.

Submission:

Ambry Genetics
Classification: Uncertain significance for Hereditary cancer-predisposing syndrome. Last evaluated: 2026-07-20. Review status: criteria provided, single submitter. Criteria: Ambry Variant Classification Scheme 2023. Collection method: clinical testing. Allele origin: germline.
Comment: The p.D514A variant (also known as c.1541A>C), located in coding exon 14 of the TSC2 gene, results from an A to C substitution at nucleotide position 1541. The aspartic acid at codon 514 is replaced by alanine, an amino acid with dissimilar properties. This amino acid position is conserved. In addition, this alteration is predicted to be deleterious by in silico analysis. Based on the available evidence, the clinical significance of this variant remains unclear.